The following is an entry in ClinVar:

NM_002691.4(POLD1):c.324G>T (p.Ala108=)

Gene: POLD1 (DNA polymerase delta 1, catalytic subunit; plus strand). Cytogenetic location: 19q13.33.
Variant type: single nucleotide variant.
Coding change: c.324G>T on transcript NM_002691.4 (MANE Select); coding-DNA position 324, G replaced by T.
Protein change: p.Ala108=; no amino-acid change (alanine 108 retained).
Molecular consequence: synonymous variant. On other transcripts: non-coding transcript variant (1).
Genome position (GRCh38, 1-based): chr19:50,401,785, G>T. VCF-style: chr19-50401785-G-T. GRCh37 (hg19) VCF-style: chr19-50905042-G-T.
Other names: p.Ala108=; c.324G>T, p.Ala108= (NM_001256849.1, NM_001308632.1).
Identifiers: ClinVar variation 220913 (VCV000220913.38), dbSNP rs20582, ClinGen allele CA350165.

ClinVar aggregate classification (germline): Benign/Likely benign. Review status: criteria provided, multiple submitters, no conflicts (2 of 4 stars). 15 submissions from 15 submitters: Benign (10); Likely benign (4). 1 of the submissions does not count toward it. Last evaluated 2026-02-04.

Conditions:
Mandibular hypoplasia-deafness-progeroid syndrome. Also called: Mandibular hypoplasia, deafness, progeroid features, and lipodystrophy syndrome. Identifiers: Orphanet 363649, MedGen C3715192, MONDO:0014157, OMIM 615381.
POLD1-related polyposis and colorectal cancer syndrome (CRCS10). Also called: Colorectal cancer 10; COLORECTAL CANCER, SUSCEPTIBILITY TO, ON CHROMOSOME 19q; Colorectal cancer, susceptibility to, 10. Identifiers: Orphanet 220460, MedGen C2675481, MONDO:0012953, OMIM 612591.
Hereditary cancer-predisposing syndrome. Also called: Tumor predisposition; Hereditary Cancer Syndrome; Neoplastic Syndromes, Hereditary; Hereditary neoplastic syndrome. Identifiers: Orphanet 140162, MedGen C0027672, MeSH D009386, MONDO:0015356.
Immunodeficiency 120. Identifiers: MedGen C5935622, MONDO:0970994, OMIM 620836.

Allele frequency attached by ClinVar (database versions not stated): 1000 Genomes Project 0.01218; 1000 Genomes Project 30x 0.01327.
gnomAD v4.1: 3,132 of 1,612,072 alleles (0.19%); highest among the groups gnomAD compares: African/African-American, 3.2%; 49 homozygotes.

Submissions (15):

Labcorp Genetics (formerly Invitae), Labcorp
Classification: Benign for POLD1-related polyposis and colorectal cancer syndrome. Last evaluated: 2026-02-04. Review status: criteria provided, single submitter. Criteria: Invitae Variant Classification Sherloc (09022015). Collection method: clinical testing. Allele origin: germline.

Mayo Clinic Laboratories, Mayo Clinic
Classification: Likely benign. Last evaluated: 2025-06-11. Review status: criteria provided, single submitter. Criteria: ACMG Guidelines, 2015. Collection method: clinical testing. Allele origin: germline. Observed: 3 variant alleles.
Comment: BS1, BP4, BP7

Institute for Biomarker Research, Medical Diagnostic Laboratories, L.L.C.
Classification: Benign for Hereditary cancer-predisposing syndrome. Last evaluated: 2025-05-15. Review status: criteria provided, single submitter. Criteria: ACMG Guidelines, 2015. Collection method: clinical testing. Allele origin: germline.
Comment: The synonymous variant NM_001308632.1(POLD1):c.324G>T (p.Ala108=) has been reported to ClinVar as Benign/Likely benign with a status of (2 stars) criteria provided, multiple submitters, no conflicts (Variation ID 220913 as of 2025-05-01).The p.Ala108= variant is not predicted to disrupt the existing acceptor splice site 8bp upstream by any splice site algorithm. The p.Ala108= variant results in a substitution of a base that is not predicted conserved by GERP++ and PhyloP. For these reasons, this variant has been classified as Benign.

ARUP Laboratories, Molecular Genetics and Genomics, ARUP Laboratories
Classification: Benign. Last evaluated: 2025-05-01. Review status: criteria provided, single submitter. Criteria: ARUP Molecular Germline Variant Investigation Process 2024. Collection method: clinical testing. Allele origin: germline.

Center for Genomic Medicine, Rigshospitalet, Copenhagen University Hospital
Classification: Benign. Last evaluated: 2025-03-04. Review status: criteria provided, single submitter. Criteria: ACMG Guidelines, 2015. Collection method: clinical testing. Allele origin: germline.

KCCC/NGS Laboratory, Kuwait Cancer Control Center
Classification: Benign for POLD1-related polyposis and colorectal cancer syndrome. Last evaluated: 2023-07-07. Review status: criteria provided, single submitter. Criteria: ACMG Guidelines, 2015. Collection method: clinical testing. Allele origin: germline. Affected: yes.

Department of Pathology and Laboratory Medicine, Sinai Health System
Classification: Benign for POLD1-related polyposis and colorectal cancer syndrome; Mandibular hypoplasia-deafness-progeroid syndrome; Immunodeficiency 120. Last evaluated: 2022-10-18. Review status: criteria provided, single submitter. Criteria: ACMG Guidelines, 2015. Collection method: clinical testing. Allele origin: germline. Affected: yes.

Fulgent Genetics
Classification: Likely benign for POLD1-related polyposis and colorectal cancer syndrome; Mandibular hypoplasia-deafness-progeroid syndrome. Last evaluated: 2022-05-24. Review status: criteria provided, single submitter. Criteria: ACMG Guidelines, 2015. Collection method: clinical testing. Allele origin: unknown.

Quest Diagnostics Nichols Institute San Juan Capistrano
Classification: Benign. Last evaluated: 2018-03-03. Review status: criteria provided, single submitter. Criteria: Quest Diagnostics criteria. Collection method: clinical testing. Allele origin: unknown.

GeneDx
Classification: Benign. Last evaluated: 2017-05-24. Review status: criteria provided, single submitter. Criteria: GeneDx Variant Classification (06012015). Collection method: clinical testing. Allele origin: germline. Affected: yes.
Comment: This variant is considered likely benign or benign based on one or more of the following criteria: it is a conservative change, it occurs at a poorly conserved position in the protein, it is predicted to be benign by multiple in silico algorithms, and/or has population frequency not consistent with disease.

PreventionGenetics, part of Exact Sciences
Classification: Benign. Last evaluated: 2017-02-28. Review status: criteria provided, single submitter. Criteria: ACMG Guidelines, 2015. Collection method: clinical testing. Allele origin: germline.

Women's Health and Genetics/Laboratory Corporation of America, LabCorp
Classification: Benign. Last evaluated: 2016-08-26. Review status: criteria provided, single submitter. Criteria: LabCorp Variant Classification Summary - May 2015. Collection method: clinical testing. Allele origin: germline.
Comment: Variant summary: The POLD1 c.324G>T (p.Ala108Ala) variant involves the alteration of a non-conserved nucleotide, resulting in a synonymous change. 4/5 splice prediction tools predict no significant impact on normal splicing. This variant was found in 358/117858 control chromosomes (6 homozygotes), predominantly observed in the African subpopulation at a frequency of 0.0311842 (296/9492). This frequency is about 2195 times the estimated maximal expected allele frequency of a pathogenic POLD1 variant (0.0000142), suggesting this is likely a benign polymorphism found primarily in the populations of African origin. In addition, one clinical diagnostic laboratory in ClinVar ahs classified this variant as benign. The variant of interest has not been reported in affected individuals via publications, to our knowledge. Taken together, this variant is classified as Benign.

Ambry Genetics
Classification: Likely benign for Hereditary cancer-predisposing syndrome. Last evaluated: 2015-06-22. Review status: criteria provided, single submitter. Criteria: Ambry Variant Classification Scheme 2023. Collection method: clinical testing. Allele origin: germline.

Breakthrough Genomics
Classification: Likely benign. Review status: criteria provided, single submitter. Criteria: ACMG Guidelines, 2015. Collection method: not provided. Allele origin: germline. Inheritance: Autosomal dominant inheritance. Affected: yes.

True Health Diagnostics
Classification: Likely benign for Hereditary cancer-predisposing syndrome. Last evaluated: 2018-10-04. Review status: no assertion criteria provided. Collection method: clinical testing. Allele origin: germline. Not counted in ClinVar's aggregate classification.